The following is an entry in ClinVar:

ClinVar aggregate classification (germline): Pathogenic (1 of 4 stars; one submission).

Conditions:
Pyruvate carboxylase deficiency. Also called: ATAXIA WITH LACTIC ACIDOSIS II; LEIGH NECROTIZING ENCEPHALOPATHY DUE TO PYRUVATE CARBOXYLASE DEFICIENCY; LEIGH SYNDROME DUE TO PYRUVATE CARBOXYLASE DEFICIENCY; PC DEFICIENCY; Pyruvate Carboxylase Deficiency Disease. Identifiers: Orphanet 3008, MedGen C0034341, MONDO:0009949, OMIM 266150.

Submission:

Myriad Genetics, Inc.
Classification: Pathogenic for Pyruvate carboxylase deficiency. Last evaluated: 2024-04-18. Review status: criteria provided, single submitter. Criteria: Myriad Autosomal Dominant, Autosomal Recessive and X-Linked Classification Criteria (2023). Collection method: clinical testing. Allele origin: unknown.
Comment: NM_000920.3(PC):c.960_961insCTTC(Y321Lfs*34) is expected to be pathogenic in the context of pyruvate carboxylase deficiency. This variant is predicted to lead to an abnormal or absent protein product due to the creation of a premature termination codon in PC, a gene where loss-of-function variants are known to be pathogenic. Please note: this variant was assessed in the context of healthy population screening.

NM_001040716.2(PC):c.960_961insCTTC (p.Tyr321fs)

Gene: PC (pyruvate carboxylase; minus strand). Cytogenetic location: 11q13.2.
Variant type: Insertion.
Coding change: c.960_961insCTTC on transcript NM_001040716.2 (MANE Select); coding-DNA positions 960 to 961, CTTC inserted.
Protein change: p.Tyr321fs; shifts the reading frame from tyrosine 321.
Molecular consequence: frameshift variant.
Genome position: GRCh38 VCF-style: chr11-66868907-A-AGAAG. GRCh37 (hg19) VCF-style: chr11-66636378-A-AGAAG.
Other names: c.960_961insCTTC, p.Tyr321fs (NM_000920.4, NM_001439352.1, NM_001439353.1 and 5 more transcripts); short protein forms Y321fs.
Identifiers: ClinVar variation 5012925 (VCV005012925.1).